The following is an entry in ClinVar:

NM_000179.3(MSH6):c.122C>T (p.Ser41Phe)

Gene: MSH6 (mutS homolog 6; plus strand). Cytogenetic location: 2p16.3.
Variant type: single nucleotide variant.
Coding change: c.122C>T on transcript NM_000179.3 (MANE Select); coding-DNA position 122, C replaced by T.
Protein change: p.Ser41Phe; replaces serine 41 with phenylalanine.
Molecular consequence: missense variant. On other transcripts: 5 prime UTR variant (1).
Genome position (GRCh38, 1-based): chr2:47,783,355, C>T. VCF-style: chr2-47783355-C-T. GRCh37 (hg19) VCF-style: chr2-48010494-C-T.
Other names: c.122C>T, p.Ser41Phe (NM_001281492.2); c.-615C>T (NM_001281493.2); short protein forms S41F.
Identifiers: ClinVar variation 923359 (VCV000923359.3), dbSNP rs876658985, ClinGen allele CA346734872.

ClinVar aggregate classification (germline): Uncertain significance (1 of 4 stars; one submission).

Conditions:
Hereditary cancer-predisposing syndrome. Also called: Neoplastic Syndromes, Hereditary; Tumor predisposition; Hereditary Cancer Syndrome; Hereditary neoplastic syndrome. Identifiers: Orphanet 140162, MedGen C0027672, MeSH D009386, MONDO:0015356.

Submission:

Color Diagnostics, LLC DBA Color Health
Classification: Uncertain significance for Hereditary cancer-predisposing syndrome. Last evaluated: 2020-03-10. Review status: criteria provided, single submitter. Criteria: ACMG Guidelines, 2015. Collection method: clinical testing. Allele origin: germline.
Comment: This missense variant replaces serine with phenylalanine at codon 41 of the MSH6 protein. Computational prediction suggests that this variant may not impact protein structure and function (internally defined REVEL score threshold <= 0.5, PMID: 27666373). Splice site prediction tools suggest that this variant may not impact RNA splicing. To our knowledge, functional studies have not been reported for this variant. This variant has not been reported in individuals as a germline variant affected with hereditary cancer in the literature. This variant has not been identified in the general population by the Genome Aggregation Database (gnomAD). The available evidence is insufficient to determine the role of this variant in disease conclusively. Therefore, this variant is classified as a Variant of Uncertain Significance.